The following is an entry in ClinVar:

ClinVar aggregate classification (germline): Benign/Likely benign. Review status: criteria provided, multiple submitters, no conflicts (2 of 4 stars). 3 submissions from 3 submitters: Benign (2); Likely benign (1). Last evaluated 2025-11-01.

Allele frequency attached by ClinVar (database versions not stated): gnomAD exomes 0.00035 and 0.00100; ExAC 0.00133; 1000 Genomes Project 0.00359; 1000 Genomes Project 30x 0.00375; gnomAD 0.00405 and 0.00442; TOPMed 0.00475; ESP Exome Variant Server 0.00477.
gnomAD v4.1: 1,138 of 1,614,198 alleles (0.07%); highest among the groups gnomAD compares: African/African-American, 1.4%; 7 homozygotes.

Submissions (3):

CeGaT Center for Human Genetics Tuebingen
Classification: Likely benign. Last evaluated: 2025-11-01. Review status: criteria provided, single submitter. Criteria: CeGaT Center For Human Genetics Tuebingen Variant Classification Criteria Version 2. Collection method: clinical testing. Allele origin: germline. Affected: yes. Observed: 1 variant allele.
Comment: ATIC: BP4, BP7, BS1

Labcorp Genetics (formerly Invitae), Labcorp
Classification: Benign. Last evaluated: 2025-10-01. Review status: criteria provided, single submitter. Criteria: Invitae Variant Classification Sherloc (09022015). Collection method: clinical testing. Allele origin: germline.

Breakthrough Genomics
Classification: Benign. Review status: criteria provided, single submitter. Criteria: ACMG Guidelines, 2015. Collection method: not provided. Allele origin: germline. Inheritance: Autosomal recessive inheritance. Affected: yes.

NM_004044.7(ATIC):c.1488T>C (p.Thr496=)

Gene: ATIC (5-aminoimidazole-4-carboxamide ribonucleotide formyltransferase/IMP cyclohydrolase; plus strand). Cytogenetic location: 2q35.
Variant type: single nucleotide variant.
Coding change: c.1488T>C on transcript NM_004044.7 (MANE Select); coding-DNA position 1488, T replaced by C.
Protein change: p.Thr496=; no amino-acid change (threonine 496 retained).
Molecular consequence: synonymous variant.
Genome position (GRCh38, 1-based): chr2:215,346,926, T>C. VCF-style: chr2-215346926-T-C. GRCh37 (hg19) VCF-style: chr2-216211649-T-C.
Identifiers: ClinVar variation 727717 (VCV000727717.16), dbSNP rs140711402, ClinGen allele CA2093352.